The following is an entry in ClinVar:

ClinVar aggregate classification (germline): Likely pathogenic (1 of 4 stars; one submission).

Submission:

GeneDx
Classification: Likely pathogenic. Last evaluated: 2025-03-17. Review status: criteria provided, single submitter. Criteria: GeneDx Variant Classification Process June 2021. Collection method: clinical testing. Allele origin: germline. Affected: yes.
Comment: Frameshift variant predicted to result in protein truncation or nonsense mediated decay in a gene for which loss of function is a known mechanism of disease; Not observed at significant frequency in large population cohorts (gnomAD); Has not been previously published as pathogenic or benign to our knowledge

NM_004859.4(CLTC):c.2737_2738del (p.Asp913fs)

Gene: CLTC (clathrin heavy chain; plus strand). Cytogenetic location: 17q23.1.
Variant type: Microsatellite.
Coding change: c.2737_2738del on transcript NM_004859.4 (MANE Select); coding-DNA positions 2737 to 2738, 2 bases deleted (GA; older notation c.2737_2738delGA).
Protein change: p.Asp913fs; shifts the reading frame from aspartic acid 913.
Molecular consequence: frameshift variant.
Genome position (GRCh38, 1-based): chr17:59,677,129-59,677,130, GA deleted; deleting any 2 consecutive bases within chr17:59,677,124-59,677,130 gives the same sequence; the c. name uses the placement nearest the transcript's 3' end. VCF-style (leftmost placement, unchanged base first): chr17-59677123-AAG-A. GRCh37 (hg19) VCF-style: chr17-57754484-AAG-A.
Other names: c.2749_2750del, p.Asp917fs (NM_001288653.2); c.2749_2750delGA (NM_001288653.1); c.2749_2750del (NM_001288653.1); short protein forms D913fs, D917fs.
Identifiers: ClinVar variation 817351 (VCV000817351.2), dbSNP rs797044884, ClinGen allele CA658781850.